The following is an entry in ClinVar:

ClinVar aggregate classification (germline): Uncertain significance (1 of 4 stars; one submission).

Conditions:
Idiopathic generalized epilepsy. Also called: Generalised epilepsy; EIG. Identifiers: MedGen C0270850, MONDO:0005579, OMIM 600669.
Hyperaldosteronism, familial, type IV (HALD4). Also called: FH IV; ALDOSTERONISM, PRIMARY, AND HYPERTENSION. Identifiers: Orphanet 642671, MedGen C4310756, MONDO:0014875, OMIM 617027.

Allele frequency attached by ClinVar (database versions not stated): gnomAD exomes below 0.00001.
gnomAD v4.1: 4 of 1,610,596 alleles (0.00025%); highest among the groups gnomAD compares: African/African-American, 0.0013%; no homozygotes.

Submission:

Labcorp Genetics (formerly Invitae), Labcorp
Classification: Uncertain significance for Idiopathic generalized epilepsy; Hyperaldosteronism, familial, type IV. Last evaluated: 2023-07-31. Review status: criteria provided, single submitter. Criteria: Invitae Variant Classification Sherloc (09022015). Collection method: clinical testing. Allele origin: germline.
Comment: In summary, the available evidence is currently insufficient to determine the role of this variant in disease. Therefore, it has been classified as a Variant of Uncertain Significance. Advanced modeling of protein sequence and biophysical properties (such as structural, functional, and spatial information, amino acid conservation, physicochemical variation, residue mobility, and thermodynamic stability) has been performed at Invitae for this missense variant, however the output from this modeling did not meet the statistical confidence thresholds required to predict the impact of this variant on CACNA1H protein function. This variant has not been reported in the literature in individuals affected with CACNA1H-related conditions. This variant is not present in population databases (gnomAD no frequency). This sequence change replaces arginine, which is basic and polar, with cysteine, which is neutral and slightly polar, at codon 1483 of the CACNA1H protein (p.Arg1483Cys).

NM_021098.3(CACNA1H):c.4447C>T (p.Arg1483Cys)

Gene: CACNA1H (calcium voltage-gated channel subunit alpha1 H; plus strand). Cytogenetic location: 16p13.3.
Variant type: single nucleotide variant.
Coding change: c.4447C>T on transcript NM_021098.3 (MANE Select); coding-DNA position 4447, C replaced by T.
Protein change: p.Arg1483Cys; replaces arginine 1483 with cysteine.
Molecular consequence: missense variant.
Genome position (GRCh38, 1-based): chr16:1,211,577, C>T. VCF-style: chr16-1211577-C-T. GRCh37 (hg19) VCF-style: chr16-1261577-C-T.
Other names: c.4447C>T, p.Arg1483Cys (NM_001005407.2); short protein forms R1483C.
Identifiers: ClinVar variation 2924073 (VCV002924073.3), dbSNP rs2548705564, ClinGen allele CA394179237.